The following is an entry in ClinVar:

ClinVar aggregate classification (germline): Likely pathogenic (3 of 4 stars; one submission).

Conditions:
Glanzmann thrombasthenia. Also called: PLATELET GLYCOPROTEIN IIb-IIIa DEFICIENCY; Thrombasthenia; Glanzmann's thrombasthenia; BLEEDING DISORDER, PLATELET-TYPE, 2; THROMBASTHENIA OF GLANZMANN AND NAEGELI. Identifiers: Orphanet 849, MedGen C0040015, MONDO:0100326.

Submission:

ClinGen Platelet Disorders Variant Curation Expert Panel, ClinGen
Classification: Likely pathogenic for Glanzmann thrombasthenia. Last evaluated: 2024-06-06. Review status: reviewed by expert panel. Criteria: ClinGen Platelet ACMG Specifications v2-1. Collection method: curation. Allele origin: germline. Inheritance: Autosomal recessive inheritance.
Comment: The c.1448G>A variant in ITGB3 is a missense variant predicted to cause substitution of Cysteine by Tyrosine at amino acid 483 (p.Cys483Tyr). This variant was identified in a patient (Patient 11, PMID: 2180491) with GT type 1. This patient had a bleeding phenotype, normal platelet count and morphology, absent or severely diminished platelet aggregation by adenosine diphosphate and other agonists but was normal by ristocetin. Another study (PMID 12152649) sequenced ITGB3 in this patient and identified this variant and demonstrated minimal expression on the cell surface using flow cytometry (PP4_Moderate). This same patient is also reported in PMIDs 28395882 and 3535160. This variant was found in the homozygous state in this GT patient in PMID: 12152649 (PM3_Supporting). COS-7 cells were transfected to express this variant and the wild-type alpha-2-beta-3 surface proteins. Both flow cytometry and immunoblot were used to measure the surface expression of proteins and demonstrated a greatly reduced surface expression, estimated from Figure 3 as 6.5% (PMID: 12152649; PS3_Moderate). This variant has a REVEL score of 0.948 which is above the threshold of 0.7 established by the PD EP (PP3). This variant is not present in the gnomAD database v4.1 (PM2_Supporting). In summary, this variant meets the criteria to be classified as Likely Pathogenic for autosomal recessive Glanzmann Thrombasthenia based on the ACMG/AMP criteria applied, as specified by the ClinGen PD VCEP: PP4_Moderate, PM3_Supporting, PS3_Moderate, PP3 and PM2_Supporting (VCEP specifications version 2.1.0).

NM_000212.3(ITGB3):c.1448G>A (p.Cys483Tyr)

Gene: ITGB3 (integrin subunit beta 3; plus strand). Cytogenetic location: 17q21.32.
Variant type: single nucleotide variant.
Coding change: c.1448G>A on transcript NM_000212.3 (MANE Select); coding-DNA position 1448, G replaced by A.
Protein change: p.Cys483Tyr; replaces cysteine 483 with tyrosine.
Molecular consequence: missense variant.
Genome position (GRCh38, 1-based): chr17:47,292,326, G>A. VCF-style: chr17-47292326-G-A. GRCh37 (hg19) VCF-style: chr17-45369692-G-A.
Other names: NM_000212.3:c.1448G>A; short protein forms C483Y.
Identifiers: ClinVar variation 3242401 (VCV003242401.1), dbSNP rs2547619090.